The following is an entry in ClinVar:

ClinVar aggregate classification (germline): Benign/Likely benign. Review status: criteria provided, multiple submitters, no conflicts (2 of 4 stars). 4 submissions from 4 submitters: Benign (1); Likely benign (3). Last evaluated 2025-04-14.

Conditions:
Hereditary nonpolyposis colorectal neoplasms. Identifiers: MedGen C0009405, MeSH D003123.
Hereditary cancer-predisposing syndrome. Also called: Tumor predisposition; Neoplastic Syndromes, Hereditary; Hereditary neoplastic syndrome; Hereditary Cancer Syndrome. Identifiers: Orphanet 140162, MedGen C0027672, MeSH D009386, MONDO:0015356.
Lynch syndrome 5 (LYNCH5). Also called: Hereditary non-polyposis colorectal cancer, type 5; Colorectal cancer, hereditary nonpolyposis, type 5. Identifiers: Orphanet 144, MedGen C1833477, MONDO:0013710, OMIM 614350. Disease mechanism: loss of function.

Submissions (4):

Labcorp Genetics (formerly Invitae), Labcorp
Classification: Likely benign for Hereditary nonpolyposis colorectal neoplasms. Last evaluated: 2025-04-14. Review status: criteria provided, single submitter. Criteria: Invitae Variant Classification Sherloc (09022015). Collection method: clinical testing. Allele origin: germline.

Myriad Genetics, Inc.
Classification: Benign for Lynch syndrome 5. Last evaluated: 2024-12-17. Review status: criteria provided, single submitter. Criteria: Myriad Autosomal Dominant, Autosomal Recessive and X-Linked Classification Criteria (2023). Collection method: clinical testing. Allele origin: unknown.
Comment: This variant is considered benign. This variant is a silent/synonymous amino acid change and it is not expected to impact splicing.

Ambry Genetics
Classification: Likely benign for Hereditary cancer-predisposing syndrome. Last evaluated: 2021-04-22. Review status: criteria provided, single submitter. Criteria: Ambry Variant Classification Scheme 2023. Collection method: clinical testing. Allele origin: germline.

Color Diagnostics, LLC DBA Color Health
Classification: Likely benign for Hereditary cancer-predisposing syndrome. Last evaluated: 2018-02-27. Review status: criteria provided, single submitter. Criteria: ACMG Guidelines, 2015. Collection method: clinical testing. Allele origin: germline.

NM_000179.3(MSH6):c.105C>G (p.Ala35=)

Gene: MSH6 (mutS homolog 6; plus strand). Cytogenetic location: 2p16.3.
Variant type: single nucleotide variant.
Coding change: c.105C>G on transcript NM_000179.3 (MANE Select); coding-DNA position 105, C replaced by G.
Protein change: p.Ala35=; no amino-acid change (alanine 35 retained).
Molecular consequence: synonymous variant. On other transcripts: 5 prime UTR variant (1).
Genome position (GRCh38, 1-based): chr2:47,783,338, C>G. VCF-style: chr2-47783338-C-G. GRCh37 (hg19) VCF-style: chr2-48010477-C-G.
Other names: c.105C>G, p.Ala35= (NM_001281492.2); c.-632C>G (NM_001281493.2).
Identifiers: ClinVar variation 631354 (VCV000631354.13), dbSNP rs998365223, ClinGen allele CA346734842.